The following is an entry in ClinVar:

NM_002291.3(LAMB1):c.5203A>G (p.Ser1735Gly)

Gene: LAMB1 (laminin subunit beta 1; minus strand). Cytogenetic location: 7q31.1.
Variant type: single nucleotide variant.
Coding change: c.5203A>G on transcript NM_002291.3 (MANE Select); coding-DNA position 5203, A replaced by G.
Protein change: p.Ser1735Gly; replaces serine 1735 with glycine.
Molecular consequence: missense variant.
Genome position (GRCh38, 1-based): chr7:107,924,251, T>C on the plus strand (A>G on the coding strand, the complement: LAMB1 is on the minus strand). VCF-style: chr7-107924251-T-C. GRCh37 (hg19) VCF-style: chr7-107564696-T-C.
Other names: short protein forms S1735G.
Identifiers: ClinVar variation 2113973 (VCV002113973.4), dbSNP rs1466862886, ClinGen allele CA368860425.

ClinVar aggregate classification (germline): Uncertain significance (1 of 4 stars; one submission).

Submission:

Labcorp Genetics (formerly Invitae), Labcorp
Classification: Uncertain significance. Last evaluated: 2022-03-18. Review status: criteria provided, single submitter. Criteria: Invitae Variant Classification Sherloc (09022015). Collection method: clinical testing. Allele origin: germline.
Comment: This sequence change replaces serine, which is neutral and polar, with glycine, which is neutral and non-polar, at codon 1735 of the LAMB1 protein (p.Ser1735Gly). This variant is not present in population databases (gnomAD no frequency). This variant has not been reported in the literature in individuals affected with LAMB1-related conditions. Algorithms developed to predict the effect of missense changes on protein structure and function are either unavailable or do not agree on the potential impact of this missense change (SIFT: "Deleterious"; PolyPhen-2: "Benign"; Align-GVGD: "Class C55"). In summary, the available evidence is currently insufficient to determine the role of this variant in disease. Therefore, it has been classified as a Variant of Uncertain Significance.